The following is an entry in ClinVar:

NM_015028.4(TNIK):c.1881C>T (p.Asn627=)

Gene: TNIK (TRAF2 and NCK interacting kinase; minus strand). Cytogenetic location: 3q26.2.
Variant type: single nucleotide variant.
Coding change: c.1881C>T on transcript NM_015028.4 (MANE Select); coding-DNA position 1881, C replaced by T.
Protein change: p.Asn627=; no amino-acid change (asparagine 627 retained).
Molecular consequence: synonymous variant.
Genome position (GRCh38, 1-based): chr3:171,126,044, G>A on the plus strand (C>T on the coding strand, the complement: TNIK is on the minus strand). VCF-style: chr3-171126044-G-A. GRCh37 (hg19) VCF-style: chr3-170843833-G-A.
Other names: c.1881C>T, p.Asn627= (NM_001161560.3); c.1794C>T, p.Asn598= (NM_001161561.3, NM_001161562.3); c.1716C>T, p.Asn572= (NM_001161563.3, NM_001161564.3); c.1629C>T, p.Asn543= (NM_001161565.3, NM_001161566.3).
Identifiers: ClinVar variation 3025256 (VCV003025256.22), dbSNP rs368779668, ClinGen allele CA2703382.

ClinVar aggregate classification (germline): Likely benign (1 of 4 stars; one submission).

Allele frequency attached by ClinVar (database versions not stated): ExAC 0.00007; ESP Exome Variant Server 0.00008; gnomAD exomes 0.00015; gnomAD 0.00017; TOPMed 0.00017; 1000 Genomes Project 0.00020; 1000 Genomes Project 30x 0.00031.
gnomAD v4.1: 240 of 1,613,810 alleles (0.015%); highest among the groups gnomAD compares: South Asian, 0.024%; 1 homozygote.

Submission:

CeGaT Center for Human Genetics Tuebingen
Classification: Likely benign. Last evaluated: 2024-02-01. Review status: criteria provided, single submitter. Criteria: CeGaT Center For Human Genetics Tuebingen Variant Classification Criteria Version 2. Collection method: clinical testing. Allele origin: germline. Affected: yes. Observed: 1 variant allele.
Comment: TNIK: BP4, BP7